The following is an entry in ClinVar:

NM_000264.5(PTCH1):c.283C>T (p.Gln95Ter)

Gene: PTCH1 (patched 1; minus strand). Cytogenetic location: 9q22.32.
Variant type: single nucleotide variant.
Coding change: c.283C>T on transcript NM_000264.5 (MANE Select); coding-DNA position 283, C replaced by T.
Protein change: p.Gln95Ter; replaces glutamine 95 with a stop codon.
Molecular consequence: nonsense. On other transcripts: 5 prime UTR variant (4), non-coding transcript variant (1).
Genome position (GRCh38, 1-based): chr9:95,506,518, G>A on the plus strand (C>T on the coding strand, the complement: PTCH1 is on the minus strand). VCF-style: chr9-95506518-G-A. GRCh37 (hg19) VCF-style: chr9-98268800-G-A.
Other names: c.85C>T, p.Gln29Ter (NM_001083602.3, NM_001354919.2); c.280C>T, p.Gln94Ter (NM_001083603.3); c.-171C>T (NM_001083604.3, NM_001083605.3, NM_001083606.3 and 1 more transcripts); c.283C>T, p.Gln95Ter (NM_001354918.2); short protein forms Q94*, Q29*, Q95*.
Identifiers: ClinVar variation 663028 (VCV000663028.11), dbSNP rs1587693508, ClinGen allele CA374120362.

ClinVar aggregate classification (germline): Pathogenic. Review status: criteria provided, multiple submitters, no conflicts (2 of 4 stars). 2 submissions from 2 submitters: Pathogenic (2). Last evaluated 2023-01-24.

Conditions:
Hereditary cancer-predisposing syndrome. Also called: Neoplastic Syndromes, Hereditary; Hereditary neoplastic syndrome; Tumor predisposition; Hereditary Cancer Syndrome. Identifiers: Orphanet 140162, MedGen C0027672, MeSH D009386, MONDO:0015356.
Gorlin syndrome. Also called: Nevoid Basal Cell Carcinoma Syndrome; Basal cell nevus syndrome. Identifiers: Orphanet 377, MedGen C0004779, MONDO:0007187.

Submissions (2):

Labcorp Genetics (formerly Invitae), Labcorp
Classification: Pathogenic for Gorlin syndrome. Last evaluated: 2023-01-24. Review status: criteria provided, single submitter. Criteria: Invitae Variant Classification Sherloc (09022015). Collection method: clinical testing. Allele origin: germline.
Comment: For these reasons, this variant has been classified as Pathogenic. ClinVar contains an entry for this variant (Variation ID: 663028). This variant has not been reported in the literature in individuals affected with PTCH1-related conditions. This variant is not present in population databases (gnomAD no frequency). This sequence change creates a premature translational stop signal (p.Gln95*) in the PTCH1 gene. It is expected to result in an absent or disrupted protein product. Loss-of-function variants in PTCH1 are known to be pathogenic (PMID: 16301862, 16419085).

Ambry Genetics
Classification: Pathogenic for Hereditary cancer-predisposing syndrome. Last evaluated: 2019-01-25. Review status: criteria provided, single submitter. Criteria: Ambry Variant Classification Scheme 2023. Collection method: clinical testing. Allele origin: germline.
Comment: The p.Q95* pathogenic mutation (also known as c.283C>T), located in coding exon 2 of the PTCH1 gene, results from a C to T substitution at nucleotide position 283. This changes the amino acid from a glutamine to a stop codon within coding exon 2. This alteration is expected to result in loss of function by premature protein truncation or nonsense-mediated mRNA decay. As such, this alteration is interpreted as a disease-causing mutation.

Literature cited by the submitters: PubMed 16301862 (cited by Labcorp Genetics (formerly Invitae), Labcorp); PubMed 16419085 (cited by Labcorp Genetics (formerly Invitae), Labcorp).